The following is an entry in ClinVar:

ClinVar aggregate classification (germline): Uncertain significance (1 of 4 stars; one submission).

Submission:

Dasa
Classification: Uncertain significance. Last evaluated: 2026-08-04. Review status: criteria provided, single submitter. Criteria: DASA Assertion Criteria. Collection method: clinical testing. Allele origin: germline.
Comment: NM_001385012.1(NBEA):c.1982G>A (p.Gly661Asp) is a missense variant that results in the substitution of glycine with aspartic acid. This variant is rare in population databases. The currently available literature and clinical evidence are not sufficient to establish a definitive association between this variant and the reported condition. Therefore, this variant is classified as a variant of uncertain significance.

NM_001385012.1(NBEA):c.1982G>A (p.Gly661Asp)

Gene: NBEA (neurobeachin; plus strand). Cytogenetic location: 13q13.3.
Variant type: single nucleotide variant.
Coding change: c.1982G>A on transcript NM_001385012.1 (MANE Select); coding-DNA position 1982, G replaced by A.
Protein change: p.Gly661Asp; replaces glycine 661 with aspartic acid.
Molecular consequence: missense variant.
Genome position (GRCh38, 1-based): chr13:35,110,958, G>A. VCF-style: chr13-35110958-G-A. GRCh37 (hg19) VCF-style: chr13-35685095-G-A.
Other names: c.1982G>A, p.Gly661Asp (NM_001379245.1, NM_015678.5); short protein forms G661D.
Identifiers: ClinVar variation 5020722 (VCV005020722.1).
Genomic context (GRCh38, chr13:35,110,958, plus strand): 5'-TACAGCTAATGCACACCTTAAAATATTACTACTGGGTTATTAATCCTGCTGACAGTAGTG[G>A]CATTACACCTAAAGGATTAGGTATGTATACCACTTCCACTGTATTTACATTTGCCTATGA-3'
Protein context (NP_001371941.1, residues 651-671): YWVINPADSS[Gly661Asp]ITPKGLDGPR